The following is an entry in ClinVar:

ClinVar aggregate classification (germline): Benign/Likely benign. Review status: criteria provided, multiple submitters, no conflicts (2 of 4 stars). 10 submissions from 10 submitters: Benign (5); Likely benign (2). 3 of the submissions do not count toward it. Last evaluated 2026-02-03.

Conditions:
Emery-Dreifuss muscular dystrophy 1, X-linked (EDMD1). Also called: Muscular dystrophy, tardive, Dreifuss-Emery type, with contractures; EMD-Related Emery-Dreifuss Muscular Dystrophy, X-Linked; SCAPULOPERONEAL SYNDROME, X-LINKED; HUMEROPERONEAL NEUROMUSCULAR DISEASE. Identifiers: MedGen CN375556, MONDO:0100531, OMIM 310300.
X-linked Emery-Dreifuss muscular dystrophy. Also called: Muscular dystrophy, tardive Emery-Dreifuss type, with contractures. Identifiers: Orphanet 261, Orphanet 98863, MedGen C0751337, MONDO:0010680.

Allele frequency attached by ClinVar (database versions not stated): ESP Exome Variant Server 0.00009; TOPMed 0.00176; gnomAD 0.00199; gnomAD exomes 0.00217; 1000 Genomes Project 30x 0.00541.
gnomAD v4.1: 947 of 1,209,708 alleles (0.078%); highest among the groups gnomAD compares: Admixed American, 1.5%; 1 homozygote.

Submissions (12):

Labcorp Genetics (formerly Invitae), Labcorp
Classification: Benign for X-linked Emery-Dreifuss muscular dystrophy. Last evaluated: 2026-02-03. Review status: criteria provided, single submitter. Criteria: Invitae Variant Classification Sherloc (09022015). Collection method: clinical testing. Allele origin: germline.

Blueprint Genetics
Classification: Likely benign. Last evaluated: 2024-09-24. Review status: criteria provided, single submitter. Criteria: ACMG Guidelines, 2015. Collection method: clinical testing. Allele origin: germline.

ARUP Laboratories, Molecular Genetics and Genomics, ARUP Laboratories
Classification: Benign for Emery-Dreifuss muscular dystrophy 1, X-linked. Last evaluated: 2024-08-12. Review status: criteria provided, single submitter. Criteria: ARUP Molecular Germline Variant Investigation Process 2024. Collection method: clinical testing. Allele origin: germline.

Fulgent Genetics
Classification: Likely benign for Emery-Dreifuss muscular dystrophy 1, X-linked. Last evaluated: 2021-10-18. Review status: criteria provided, single submitter. Criteria: ACMG Guidelines, 2015. Collection method: clinical testing. Allele origin: unknown.

Women's Health and Genetics/Laboratory Corporation of America, LabCorp
Classification: Benign. Last evaluated: 2021-04-05. Review status: criteria provided, single submitter. Criteria: LabCorp Variant Classification Summary - May 2015. Collection method: clinical testing. Allele origin: germline.
Comment: Variant summary: EMD c.399+18C>T alters a non-conserved nucleotide located close to a canonical splice site and therefore could affect mRNA splicing, leading to a significantly altered protein sequence. 4/4 computational tools predict no significant impact on normal splicing. However, these predictions have yet to be confirmed by functional studies. The variant allele was found at a frequency of 0.0022 in 181632 control chromosomes, predominantly at a frequency of 0.013 within the Latino subpopulation in the gnomAD database, including 1 homozygote. The observed variant frequency within Latino control individuals in the gnomAD database is approximately 13 fold of the estimated maximal expected allele frequency for a pathogenic variant in EMD causing Emery-Dreifuss Muscular Dystrophy phenotype (0.001), strongly suggesting that the variant is a benign polymorphism found primarily in populations of Latino origin. To our knowledge, no occurrence of c.399+18C>T in individuals affected with Emery-Dreifuss Muscular Dystrophy and no experimental evidence demonstrating its impact on protein function have been reported. No clinical diagnostic laboratories have submitted clinical-significance assessments for this variant to ClinVar after 2014. Based on the evidence outlined above, the variant was classified as benign.

GeneDx
Classification: Benign. Last evaluated: 2014-04-24. Review status: criteria provided, single submitter. Criteria: GeneDx Variant Classification (06012015). Collection method: clinical testing. Allele origin: germline. Affected: yes.
Comment: This variant is considered likely benign or benign based on one or more of the following criteria: it is a conservative change, it occurs at a poorly conserved position in the protein, it is predicted to be benign by multiple in silico algorithms, and/or has population frequency not consistent with disease.

Breakthrough Genomics
Classification: Benign. Review status: criteria provided, single submitter. Criteria: ACMG Guidelines, 2015. Collection method: not provided. Allele origin: germline. Inheritance: X-linked inheritance. Affected: yes.

Clinical Genetics DNA and cytogenetics Diagnostics Lab, Erasmus MC, Erasmus Medical Center
Classification: Likely benign. Review status: no assertion criteria provided. Collection method: clinical testing. Allele origin: germline. Affected: yes. Study: VKGL Data-share Consensus. Not counted in ClinVar's aggregate classification.

Clinical Genetics, Academic Medical Center
Classification: Benign. Review status: no assertion criteria provided. Collection method: clinical testing. Allele origin: germline. Affected: yes. Study: VKGL Data-share Consensus. Not counted in ClinVar's aggregate classification.

Dr. Peter K. Rogan Lab, Western University
No classification provided (evidence only). Condition: Cervical cancer. Review status: no classification provided. Collection method: in vitro. Allele origin: not applicable. Functional consequence: retained intron. Not counted in ClinVar's aggregate classification.

Dr. Peter K. Rogan Lab, Western University
No classification provided (evidence only). Condition: Ovarian serous cystadenocarcinoma. Review status: no classification provided. Collection method: in vitro. Allele origin: not applicable. Functional consequence: retained intron. Not counted in ClinVar's aggregate classification.

Genome Diagnostics Laboratory, University Medical Center Utrecht
Classification: Likely benign. Review status: no assertion criteria provided. Collection method: clinical testing. Allele origin: germline. Affected: yes. Study: VKGL Data-share Consensus. Not counted in ClinVar's aggregate classification.

NM_000117.3(EMD):c.399+18C>T

Gene: EMD (emerin; plus strand). Cytogenetic location: Xq28.
Variant type: single nucleotide variant.
Coding change: c.399+18C>T on transcript NM_000117.3 (MANE Select); 18 bases into the intron after coding-DNA position 399, C replaced by T.
Molecular consequence: intron variant.
Genome position (GRCh38, 1-based): chrX:154,380,385, C>T. VCF-style: chrX-154380385-C-T. GRCh37 (hg19) VCF-style: chrX-153608745-C-T.
Identifiers: ClinVar variation 137207 (VCV000137207.19), dbSNP rs182540760, ClinGen allele CA333070.